The following is an entry in ClinVar:

NM_001114753.3(ENG):c.207G>A (p.Leu69=)

Gene: ENG (endoglin; minus strand). Cytogenetic location: 9q34.11.
Variant type: single nucleotide variant.
Coding change: c.207G>A on transcript NM_001114753.3 (MANE Select); coding-DNA position 207, G replaced by A.
Protein change: p.Leu69=; no amino-acid change (leucine 69 retained).
Molecular consequence: synonymous variant. On other transcripts: 5 prime UTR variant (1).
Genome position (GRCh38, 1-based): chr9:127,843,106, C>T on the plus strand (G>A on the coding strand, the complement: ENG is on the minus strand). VCF-style: chr9-127843106-C-T. GRCh37 (hg19) VCF-style: chr9-130605385-C-T.
Other names: p.L69L:CTG>CTA; p.Leu69=; c.207G>A, p.Leu69= (NM_000118.4, NM_001406715.1); c.-340G>A (NM_001278138.2).
Identifiers: ClinVar variation 137208 (VCV000137208.37), dbSNP rs11545664, ClinGen allele CA295471.
Genomic context (GRCh38, chr9:127,843,106, plus strand): 5'-TTGGAGCTTCCTCTGAGCCCCCACCCGACCCTGCCATGGGACACTCACCGTTGGGAACTC[C>T]AGGAAGAGGACATGGACTTCAAGGATGGCATTGGGGGCCTGAGCCACGCAGCCCTTCGAG-3'
Protein context (NP_001108225.1, residues 59-79): NAILEVHVLF[Leu69=]EFPTGPSQLE

ClinVar aggregate classification (germline): Benign/Likely benign. Review status: criteria provided, multiple submitters, no conflicts (2 of 4 stars). 10 submissions from 10 submitters: Benign (9); Likely benign (1). Last evaluated 2026-02-04.

Conditions:
Cardiovascular phenotype. Identifiers: MedGen CN230736.
Hereditary hemorrhagic telangiectasia (HHT). Also called: Osler hemorrhagic telangiectasia syndrome; ORW DISEASE; Osler Weber Rendu syndrome; OSLER-RENDU-WEBER DISEASE. Identifiers: Orphanet 774, MedGen C0039445, MONDO:0019180. Disease mechanism: loss of function.
Telangiectasia, hereditary hemorrhagic, type 1 (HHT1). Also called: Osler Weber Rendu syndrome type 1; ENG-Related Hereditary Hemorrhagic Telangiectasia. Identifiers: Orphanet 774, MedGen C4551861, MONDO:0008535, OMIM 187300. Disease mechanism: loss of function.

Allele frequency attached by ClinVar (database versions not stated): 1000 Genomes Project 30x 0.11321; TOPMed 0.14317; ESP Exome Variant Server 0.15385; gnomAD exomes 0.09280 and 0.09336; 1000 Genomes Project 0.11022; gnomAD 0.14184 and 0.13476; ExAC 0.09821.
gnomAD v4.1: 157,489 of 1,613,932 alleles (9.8%); highest among the groups gnomAD compares: African/African-American, 25%; 9,051 homozygotes.

Submissions (16):

Labcorp Genetics (formerly Invitae), Labcorp
Classification: Benign for Hereditary hemorrhagic telangiectasia. Last evaluated: 2026-02-04. Review status: criteria provided, single submitter. Criteria: Invitae Variant Classification Sherloc (09022015). Collection method: clinical testing. Allele origin: germline.

ARUP Laboratories, Molecular Genetics and Genomics, ARUP Laboratories
Classification: Benign for Telangiectasia, hereditary hemorrhagic, type 1. Last evaluated: 2025-07-30. Review status: criteria provided, single submitter. Criteria: ARUP Molecular Germline Variant Investigation Process 2024. Collection method: clinical testing. Allele origin: germline.

Blueprint Genetics
Classification: Benign. Last evaluated: 2024-11-27. Review status: criteria provided, single submitter. Criteria: ACMG Guidelines, 2015. Collection method: clinical testing. Allele origin: germline.

Women's Health and Genetics/Laboratory Corporation of America, LabCorp
Classification: Benign. Last evaluated: 2021-07-08. Review status: criteria provided, single submitter. Criteria: LabCorp Variant Classification Summary - May 2015. Collection method: clinical testing. Allele origin: germline.

Ambry Genetics
Classification: Benign for Cardiovascular phenotype. Last evaluated: 2014-12-10. Review status: criteria provided, single submitter. Criteria: Ambry Variant Classification Scheme 2023. Collection method: clinical testing. Allele origin: germline.

Mayo Clinic Laboratories, Mayo Clinic
Classification: Benign. Last evaluated: 2014-02-13. Review status: criteria provided, single submitter. Criteria: ACMG Guidelines, 2015. Collection method: clinical testing. Allele origin: germline. Observed: 264 variant alleles.

GeneDx
Classification: Benign. Last evaluated: 2014-02-06. Review status: criteria provided, single submitter. Criteria: GeneDx Variant Classification (06012015). Collection method: clinical testing. Allele origin: germline. Affected: yes.
Comment: This variant is considered likely benign or benign based on one or more of the following criteria: it is a conservative change, it occurs at a poorly conserved position in the protein, it is predicted to be benign by multiple in silico algorithms, and/or has population frequency not consistent with disease.

Laboratory for Molecular Medicine, Mass General Brigham Personalized Medicine
Classification: Benign. Last evaluated: 2013-02-21. Review status: criteria provided, single submitter. Criteria: LMM Criteria. Collection method: clinical testing. Allele origin: germline. Observed: 15 variant alleles.
Comment: Leu69Leu in exon 2 of ENG: This variant is not expected to have clinical signifi cance because it does not alter an amino acid residue and is not located within the splice consensus sequence. It has been identified in 25.2% (1109/4406) of Af rican American chromosomes from a broad population by the NHLBI Exome Sequencing Project (dbSNP rs16930129).

Breakthrough Genomics
Classification: Likely benign. Review status: criteria provided, single submitter. Criteria: ACMG Guidelines, 2015. Collection method: not provided. Allele origin: germline. Inheritance: Autosomal dominant inheritance. Affected: yes.

PreventionGenetics, part of Exact Sciences
Classification: Benign. Review status: criteria provided, single submitter. Criteria: ACMG Guidelines, 2015. Collection method: clinical testing. Allele origin: germline.

Dr. Peter K. Rogan Lab, Western University
No classification provided (evidence only). Condition: Colorectal cancer. Review status: no classification provided. Collection method: in vitro. Allele origin: not applicable. Functional consequence: skipped exon. Not counted in ClinVar's aggregate classification.

Dr. Peter K. Rogan Lab, Western University
No classification provided (evidence only). Condition: Colorectal cancer. Review status: no classification provided. Collection method: in vitro. Allele origin: not applicable. Functional consequence: retained intron. Not counted in ClinVar's aggregate classification.

Dr. Peter K. Rogan Lab, Western University
No classification provided (evidence only). Condition: Colorectal cancer. Review status: no classification provided. Collection method: in vitro. Allele origin: not applicable. Functional consequence: skipped exon, retained intron. Not counted in ClinVar's aggregate classification.

Dr. Peter K. Rogan Lab, Western University
No classification provided (evidence only). Condition: Colorectal cancer. Review status: no classification provided. Collection method: in vitro. Allele origin: not applicable. Functional consequence: skipped exon. Not counted in ClinVar's aggregate classification.

Dr. Peter K. Rogan Lab, Western University
No classification provided (evidence only). Condition: Cholangiocarcinoma. Review status: no classification provided. Collection method: in vitro. Allele origin: not applicable. Functional consequence: retained intron. Not counted in ClinVar's aggregate classification.

Dr. Peter K. Rogan Lab, Western University
No classification provided (evidence only). Condition: Adrenocortical carcinoma, hereditary. Review status: no classification provided. Collection method: in vitro. Allele origin: not applicable. Functional consequence: skipped exon. Not counted in ClinVar's aggregate classification.